The following is an entry in ClinVar:

NC_000023.10:g.(?_103031893)_(103045536_?)dup

Gene: PLP1 (proteolipid protein 1; plus strand). Cytogenetic location: Xq22.2.
Variant type: Duplication.
Identifiers: ClinVar variation 660146 (VCV000660146.2).

ClinVar aggregate classification (germline): Pathogenic (1 of 4 stars; one submission).

Conditions:
Hereditary spastic paraplegia 2 (SPG2). Also called: Spastic Paraplegia 2 (SPG2); SPASTIC PARAPLEGIA 2, X-LINKED. Identifiers: Orphanet 99015, MedGen C0751604, MONDO:0010733, OMIM 312920.

Submission:

Labcorp Genetics (formerly Invitae), Labcorp
Classification: Pathogenic for Spastic paraplegia 2. Last evaluated: 2019-10-02. Review status: criteria provided, single submitter. Criteria: Invitae Variant Classification Sherloc (09022015). Collection method: clinical testing. Allele origin: germline.
Comment: A gross duplication of the genomic region encompassing the full coding sequence of the PLP1 gene has been identified. The boundaries of this event are unknown as the duplication extends beyond the assayed region for this gene and therefore may encompass additional genes. As the precise location of this duplication is unknown, it may be in tandem or it may be located elsewhere in the genome. Whole gene duplications of PLP1 have been reported in many individuals affected with Pelizaeus-Merzbacher disease (PMID: 9634530, 10417279, 16380909, 18160035, 19328639). For these reasons, this variant has been classified as Pathogenic.

Literature cited by the submitters: PubMed 16380909; PubMed 9634530; PubMed 10417279; PubMed 18160035; PubMed 19328639.